The following is an entry in ClinVar:

NM_001372.4(DNAH9):c.12017G>A (p.Gly4006Asp)

Gene: DNAH9 (dynein axonemal heavy chain 9; plus strand). Cytogenetic location: 17p12.
Variant type: single nucleotide variant.
Coding change: c.12017G>A on transcript NM_001372.4 (MANE Select); coding-DNA position 12017, G replaced by A.
Protein change: p.Gly4006Asp; replaces glycine 4006 with aspartic acid.
Molecular consequence: missense variant.
Genome position (GRCh38, 1-based): chr17:11,930,005, G>A. VCF-style: chr17-11930005-G-A. GRCh37 (hg19) VCF-style: chr17-11833322-G-A.
Other names: c.953G>A, p.Gly318Asp (NM_004662.2); short protein forms G4006D, G318D.
Identifiers: ClinVar variation 1398620 (VCV001398620.6), dbSNP rs2151034307, ClinGen allele CA398211693.

ClinVar aggregate classification (germline): Uncertain significance (1 of 4 stars; one submission).

gnomAD v4.1: 1 of 1,614,076 alleles (0.000062%); highest among the groups gnomAD compares: Admixed American, 0.0017%; no homozygotes.

Submission:

Labcorp Genetics (formerly Invitae), Labcorp
Classification: Uncertain significance. Last evaluated: 2025-11-19. Review status: criteria provided, single submitter. Criteria: Invitae Variant Classification Sherloc (09022015). Collection method: clinical testing. Allele origin: germline.
Comment: This sequence change replaces glycine, which is neutral and non-polar, with aspartic acid, which is acidic and polar, at codon 4006 of the DNAH9 protein (p.Gly4006Asp). This variant is not present in population databases (gnomAD no frequency). This variant has not been reported in the literature in individuals affected with DNAH9-related conditions. ClinVar contains an entry for this variant (Variation ID: 1398620). Invitae Evidence Modeling of protein sequence and biophysical properties (such as structural, functional, and spatial information, amino acid conservation, physicochemical variation, residue mobility, and thermodynamic stability) indicates that this missense variant is expected to disrupt DNAH9 protein function with a positive predictive value of 80%. In summary, the available evidence is currently insufficient to determine the role of this variant in disease. Therefore, it has been classified as a Variant of Uncertain Significance.